The following is an entry in ClinVar:

ClinVar aggregate classification (germline): Uncertain significance (1 of 4 stars; one submission).

Conditions:
Spastic paraplegia. Identifiers: MedGen C0037772, HP:0001258.

Allele frequency attached by ClinVar (database versions not stated): gnomAD 0.00001; gnomAD exomes 0.00001; TOPMed 0.00002.

Submission:

Labcorp Genetics (formerly Invitae), Labcorp
Classification: Uncertain significance for Spastic paraplegia. Last evaluated: 2024-11-22. Review status: criteria provided, single submitter. Criteria: Invitae Variant Classification Sherloc (09022015). Collection method: clinical testing. Allele origin: germline.
Comment: This sequence change creates a premature translational stop signal (p.Arg554*) in the ARSI gene. While this is not anticipated to result in nonsense mediated decay, it is expected to disrupt the last 16 amino acid(s) of the ARSI protein. This variant is present in population databases (no rsID available, gnomAD 0.002%). This variant has not been reported in the literature in individuals affected with ARSI-related conditions. ClinVar contains an entry for this variant (Variation ID: 2065939). Experimental studies and prediction algorithms are not available or were not evaluated, and the functional significance of this variant is currently unknown. In summary, the available evidence is currently insufficient to determine the role of this variant in disease. Therefore, it has been classified as a Variant of Uncertain Significance.

NM_001012301.4(ARSI):c.1660C>T (p.Arg554Ter)

Gene: ARSI (arylsulfatase family member I; minus strand). Cytogenetic location: 5q32.
Variant type: single nucleotide variant.
Coding change: c.1660C>T on transcript NM_001012301.4 (MANE Select); coding-DNA position 1660, C replaced by T.
Protein change: p.Arg554Ter; replaces arginine 554 with a stop codon.
Molecular consequence: nonsense.
Genome position (GRCh38, 1-based): chr5:150,297,264, G>A on the plus strand (C>T on the coding strand, the complement: ARSI is on the minus strand). VCF-style: chr5-150297264-G-A. GRCh37 (hg19) VCF-style: chr5-149676827-G-A.
Other names: short protein forms R554*.
Identifiers: ClinVar variation 2065939 (VCV002065939.3), dbSNP rs975899101, ClinGen allele CA129122396.